The following is an entry in ClinVar:

ClinVar aggregate classification (germline): Uncertain significance (1 of 4 stars; one submission).

Allele frequency attached by ClinVar (database versions not stated): gnomAD exomes below 0.00001 and 0.00001.

Submission:

Labcorp Genetics (formerly Invitae), Labcorp
Classification: Uncertain significance. Last evaluated: 2022-06-13. Review status: criteria provided, single submitter. Criteria: Invitae Variant Classification Sherloc (09022015). Collection method: clinical testing. Allele origin: germline.
Comment: In summary, the available evidence is currently insufficient to determine the role of this variant in disease. Therefore, it has been classified as a Variant of Uncertain Significance. Algorithms developed to predict the effect of sequence changes on RNA splicing suggest that this variant may create or strengthen a splice site. Algorithms developed to predict the effect of missense changes on protein structure and function output the following: SIFT: "Tolerated"; PolyPhen-2: "Benign"; Align-GVGD: "Class C0". The glutamine amino acid residue is found in multiple mammalian species, which suggests that this missense change does not adversely affect protein function. This variant has not been reported in the literature in individuals affected with RIPPLY2-related conditions. This variant is present in population databases (no rsID available, gnomAD 0.004%). This sequence change replaces arginine, which is basic and polar, with glutamine, which is neutral and polar, at codon 25 of the RIPPLY2 protein (p.Arg25Gln).

NM_001009994.3(RIPPLY2):c.74G>A (p.Arg25Gln)

Genes: RIPPLY2 (ripply transcriptional repressor 2; plus strand), RIPPLY2-CYB5R4 (RIPPLY2-CYB5R4 readthrough; plus strand). Cytogenetic location: 6q14.2.
Variant type: single nucleotide variant.
Coding change: c.74G>A on transcript NM_001009994.3 (MANE Select); coding-DNA position 74, G replaced by A.
Protein change: p.Arg25Gln; replaces arginine 25 with glutamine.
Molecular consequence: missense variant.
Genome position (GRCh38, 1-based): chr6:83,853,490, G>A. VCF-style: chr6-83853490-G-A. GRCh37 (hg19) VCF-style: chr6-84563209-G-A.
Other names: short protein forms R25Q.
Identifiers: ClinVar variation 1485355 (VCV001485355.6), dbSNP rs1418751077, ClinGen allele CA365048982.
Genomic context (GRCh38, chr6:83,853,490, plus strand): 5'-GAGGCGCAGAGGGTACAGAGAGTGGAGCTGCGGCGTGCGCGGCCACCGACGGCCCTACGC[G>A]GCGCGCGGGCGCGGACTCCGGGTAGGCTTCCCCGCGCTGCTCTGCGCCTCCCAGCTTCCC-3'
Protein context (NP_001009994.1, residues 15-35): AACAATDGPT[Arg25Gln]RAGADSGYAG